The following is an entry in ClinVar:

NM_001370259.2(MEN1):c.677C>T (p.Ser226Leu)

Gene: MEN1 (menin 1; minus strand). Cytogenetic location: 11q13.1.
Variant type: single nucleotide variant.
Coding change: c.677C>T on transcript NM_001370259.2 (MANE Select); coding-DNA position 677, C replaced by T.
Protein change: p.Ser226Leu; replaces serine 226 with leucine.
Molecular consequence: missense variant. On other transcripts: non-coding transcript variant (4).
Genome position (GRCh38, 1-based): chr11:64,807,658, G>A on the plus strand (C>T on the coding strand, the complement: MEN1 is on the minus strand). VCF-style: chr11-64807658-G-A. GRCh37 (hg19) VCF-style: chr11-64575130-G-A.
Other names: c.692C>T, p.Ser231Leu (NM_000244.4, NM_001407145.1, NM_001407150.1 and 5 more transcripts); c.677C>T, p.Ser226Leu (NM_001370251.2, NM_001370260.2, NM_001370261.2 and 7 more transcripts); c.572C>T, p.Ser191Leu (NM_001370262.2, NM_001370263.2, NM_001407148.1 and 2 more transcripts); short protein forms S231L, S226L, S191L.
Identifiers: ClinVar variation 2804479 (VCV002804479.4), dbSNP rs2497207107, ClinGen allele CA381185174.

ClinVar aggregate classification (germline): Uncertain significance. Review status: criteria provided, multiple submitters, no conflicts (2 of 4 stars). 2 submissions from 2 submitters: Uncertain significance (2). Last evaluated 2026-09-03.

Conditions:
Multiple endocrine neoplasia, type 1 (MEN1). Also called: MEA I; MEN I; WERMER SYNDROME; Endocrine adenomatosis multiple; MEN 1. Identifiers: Orphanet 652, MedGen C0025267, MeSH D018761, MONDO:0007540, OMIM 131100.
Hereditary cancer-predisposing syndrome. Also called: Hereditary Cancer Syndrome; Hereditary neoplastic syndrome; Neoplastic Syndromes, Hereditary; Tumor predisposition. Identifiers: Orphanet 140162, MedGen C0027672, MeSH D009386, MONDO:0015356.

Allele frequency attached by ClinVar (database versions not stated): gnomAD exomes below 0.00001.

Submissions (2):

Ambry Genetics
Classification: Uncertain significance for Hereditary cancer-predisposing syndrome. Last evaluated: 2026-09-03. Review status: criteria provided, single submitter. Criteria: Ambry Variant Classification Scheme 2023. Collection method: clinical testing. Allele origin: germline.
Comment: The p.S226L variant (also known as c.677C>T), located in coding exon 3 of the MEN1 gene, results from a C to T substitution at nucleotide position 677. The serine at codon 226 is replaced by leucine, an amino acid with dissimilar properties. This amino acid position is highly conserved in available vertebrate species. In addition, this alteration is predicted to be deleterious by in silico analysis. Based on the available evidence, the clinical significance of this variant remains unclear.

Labcorp Genetics (formerly Invitae), Labcorp
Classification: Uncertain significance for Multiple endocrine neoplasia, type 1. Last evaluated: 2023-04-09. Review status: criteria provided, single submitter. Criteria: Invitae Variant Classification Sherloc (09022015). Collection method: clinical testing. Allele origin: germline.
Comment: In summary, the available evidence is currently insufficient to determine the role of this variant in disease. Therefore, it has been classified as a Variant of Uncertain Significance. Advanced modeling of protein sequence and biophysical properties (such as structural, functional, and spatial information, amino acid conservation, physicochemical variation, residue mobility, and thermodynamic stability) has been performed at Invitae for this missense variant, however the output from this modeling did not meet the statistical confidence thresholds required to predict the impact of this variant on MEN1 protein function. This variant has not been reported in the literature in individuals affected with MEN1-related conditions. This variant is not present in population databases (gnomAD no frequency). This sequence change replaces serine, which is neutral and polar, with leucine, which is neutral and non-polar, at codon 226 of the MEN1 protein (p.Ser226Leu).